The following is an entry in ClinVar:

ClinVar aggregate classification (germline): Likely pathogenic (1 of 4 stars; one submission).

Conditions:
Dilated cardiomyopathy 1G (CMD1G). Identifiers: Orphanet 154, MedGen C1858763, MONDO:0011400, OMIM 604145.

Submission:

3billion
Classification: Likely pathogenic for Dilated cardiomyopathy 1G. Last evaluated: 2024-10-15. Review status: criteria provided, single submitter. Criteria: ACMG Guidelines, 2015. Collection method: clinical testing. Allele origin: germline. Affected: yes.
Comment: The variant is not observed in the gnomAD v4.1.0 dataset. Predicted Consequence/Location: Frameshift: predicted to result in a loss or disruption of normal protein function through nonsense-mediated decay (NMD) or protein truncation. Multiple pathogenic variants are reported downstream of the variant. Therefore, this variant is classified as Likely pathogenic according to the recommendation of ACMG/AMP guideline.

NM_001267550.2(TTN):c.62214_62217del (p.Ile20738fs)

Genes: TTN-AS1 (TTN antisense RNA 1; plus strand), TTN (titin; minus strand). Cytogenetic location: 2q31.2.
Variant type: Deletion.
Coding change: c.62214_62217del on transcript NM_001267550.2 (MANE Select); coding-DNA positions 62214 to 62217, 4 bases deleted (TTAT; older notation c.62214_62217delTTAT).
Protein change: p.Ile20738fs; shifts the reading frame from isoleucine 20738.
Molecular consequence: frameshift variant.
Genome position (GRCh38, 1-based): chr2:178,589,508-178,589,511, ATAA deleted on the plus strand (TTAT on the coding strand, the reverse complement: TTN is on the minus strand); deleting any 4 consecutive bases within chr2:178,589,508-178,589,513 gives the same sequence; the c. name uses the placement nearest the transcript's 3' end. VCF-style (leftmost placement, unchanged base first): chr2-178589507-CATAA-C. GRCh37 (hg19) VCF-style: chr2-179454234-CATAA-C.
Other names: c.57291_57294del, p.Ile19097fs (NM_001256850.1); c.35019_35022del, p.Ile11673fs (NM_003319.4); c.54510_54513del, p.Ile18170fs (NM_133378.4); c.35394_35397del, p.Ile11798fs (NM_133432.3); c.35595_35598del, p.Ile11865fs (NM_133437.4); short protein forms I11673fs, I11798fs, I11865fs, I18170fs, I19097fs, I20738fs.
Identifiers: ClinVar variation 4293948 (VCV004293948.1).